The following is an entry in ClinVar:

NM_001130438.3(SPTAN1):c.1496T>G (p.Leu499Trp)

Gene: SPTAN1 (spectrin alpha, non-erythrocytic 1; plus strand). Cytogenetic location: 9q34.11.
Variant type: single nucleotide variant.
Coding change: c.1496T>G on transcript NM_001130438.3 (MANE Select); coding-DNA position 1496, T replaced by G.
Protein change: p.Leu499Trp; replaces leucine 499 with tryptophan.
Molecular consequence: missense variant.
Genome position (GRCh38, 1-based): chr9:128,581,816, T>G. VCF-style: chr9-128581816-T-G. GRCh37 (hg19) VCF-style: chr9-131344095-T-G.
Other names: c.1496T>G, p.Leu499Trp (NM_001195532.2, NM_001363759.2, NM_001363765.2 and 5 more transcripts); c.1532T>G, p.Leu511Trp (NM_001375312.2, NM_001375318.1); short protein forms L499W, L511W.
Identifiers: ClinVar variation 3371509 (VCV003371509.1).
Genomic context (GRCh38, chr9:128,581,816, plus strand): 5'-CTGAACACTTTGTTTCCTTTGGCAAGGCGTTCCTGTTGAATGAAGACTTGGGAGATTCCT[T>G]GGATAGTGTGGAAGCGCTTCTTAAGAAGCACGAAGACTTTGAGAAATCCCTTAGTGCCCA-3'
Protein context (NP_001123910.1, residues 489-509): FLLNEDLGDS[Leu499Trp]DSVEALLKKH

ClinVar aggregate classification (germline): Uncertain significance (1 of 4 stars; one submission).

Submission:

GeneDx
Classification: Uncertain significance. Last evaluated: 2024-03-28. Review status: criteria provided, single submitter. Criteria: GeneDx Variant Classification Process June 2021. Collection method: clinical testing. Allele origin: germline. Affected: yes.
Comment: Not observed at significant frequency in large population cohorts (gnomAD); In silico analysis supports that this missense variant has a deleterious effect on protein structure/function; Has not been previously published as pathogenic or benign to our knowledge